The following is an entry in ClinVar:

ClinVar aggregate classification (germline): Pathogenic (1 of 4 stars; one submission).

Submission:

Labcorp Genetics (formerly Invitae), Labcorp
Classification: Pathogenic. Last evaluated: 2024-10-07. Review status: criteria provided, single submitter. Criteria: Invitae Variant Classification Sherloc (09022015). Collection method: clinical testing. Allele origin: germline.
Comment: This sequence change creates a premature translational stop signal (p.Lys261*) in the LZTR1 gene. It is expected to result in an absent or disrupted protein product. Loss-of-function variants in LZTR1 are known to be pathogenic (PMID: 24362817, 25335493, 25480913, 25795793, 29469822, 30368668, 30442762, 30442766, 30481304, 30859559). This variant is not present in population databases (gnomAD no frequency). This variant has not been reported in the literature in individuals affected with LZTR1-related conditions. For these reasons, this variant has been classified as Pathogenic.

Literature cited by the submitters: PubMed 24362817; PubMed 25335493; PubMed 25480913; PubMed 25795793; PubMed 29469822; PubMed 30368668; PubMed 30442762; PubMed 30442766; PubMed 30481304; PubMed 30859559.

NM_006767.4(LZTR1):c.781A>T (p.Lys261Ter)

Gene: LZTR1 (leucine zipper like post translational regulator 1; plus strand). Cytogenetic location: 22q11.21.
Variant type: single nucleotide variant.
Coding change: c.781A>T on transcript NM_006767.4 (MANE Select); coding-DNA position 781, A replaced by T.
Protein change: p.Lys261Ter; replaces lysine 261 with a stop codon.
Molecular consequence: nonsense.
Genome position (GRCh38, 1-based): chr22:20,990,515, A>T. VCF-style: chr22-20990515-A-T. GRCh37 (hg19) VCF-style: chr22-21344804-A-T.
Other names: short protein forms K261*.
Identifiers: ClinVar variation 3618269 (VCV003618269.2).
Genomic context (GRCh38, chr22:20,990,515, plus strand): 5'-TTTGTATTCTCTGGGCAAAGCGGAGCCAAAATAACCAACAACCTCTTCCAGTTTGAATTC[A>T]AGGACAAGACGTGAGTACTCTGGCCAGTGGGGTGGAGGGAGGACGGTCAGTTCCCTCGAA-3'